The following is an entry in ClinVar:

ClinVar aggregate classification (germline): Conflicting classifications of pathogenicity. Review status: criteria provided, conflicting classifications (1 of 4 stars). 3 submissions from 3 submitters: Uncertain significance (2); Likely benign (1). Last evaluated 2026-01-07.

Conditions:
VHL-related disorder. Also called: VHL-related condition.
Pheochromocytoma. Also called: MAX-Related Hereditary Paraganglioma-Pheochromocytoma Syndrome. Identifiers: Orphanet 29072, MedGen C0031511, MONDO:0008233, OMIM 171300, HP:0002666.
Chuvash polycythemia. Also called: POLYCYTHEMIA, VHL-DEPENDENT. Identifiers: Orphanet 238557, MedGen C1837915, MONDO:0009892, OMIM 263400.
Von Hippel-Lindau syndrome (VHLS). Also called: VHL syndrome; Von Hippel-Lindau; von Hippel–Lindau syndrome. Identifiers: Orphanet 892, MedGen C0019562, MONDO:0008667, OMIM 193300. Disease mechanism: loss of function.

Allele frequency attached by ClinVar (database versions not stated): TOPMed 0.00001.

Submissions (3):

Labcorp Genetics (formerly Invitae), Labcorp
Classification: Likely benign for Von Hippel-Lindau syndrome; Chuvash polycythemia. Last evaluated: 2026-01-07. Review status: criteria provided, single submitter. Criteria: Invitae Variant Classification Sherloc (09022015). Collection method: clinical testing. Allele origin: germline.

PreventionGenetics, part of Exact Sciences
Classification: Uncertain significance for VHL-related condition. Last evaluated: 2025-04-06. Review status: criteria provided, single submitter. Criteria: ACMG Guidelines, 2015. Collection method: clinical testing. Allele origin: germline.
Comment: The VHL c.479G>A variant is predicted to result in the amino acid substitution p.Arg160His. To our knowledge, this variant has not been reported in the literature or in a large population database (gnomAD), indicating this variant is rare. Of note, this variant is located deep intronic, defined as c.340+714G>A, in the primary transcript NM_000551 and another transcript NM_198156; and this deep intronic variant is predicted to have no splicing impact (SpliceAI, Jaganathan et al. 2019. PubMed ID: 30661751), calling its potential clinical significance into question. At this time, the clinical significance of this variant is uncertain due to the absence of conclusive functional and genetic evidence.

3billion
Classification: Uncertain significance for Pheochromocytoma. Last evaluated: 2022-01-03. Review status: criteria provided, single submitter. Criteria: ACMG Guidelines, 2015. Collection method: clinical testing. Allele origin: germline. Affected: yes. Observed: 1 heterozygote.
Comment: The variant not observed in the gnomAD v2.1.1 dataset (PM2_M). Therefore, this variant is classified as uncertain significance according to the recommendation of ACMG/AMP guideline.

NM_000551.4(VHL):c.340+714G>A

Genes: VHL (von Hippel-Lindau tumor suppressor; plus strand), LOC107303340 (3p25 von Hippel-Lindau tumor suppressor, E3 ubiquitin protein ligase Alu-mediated recombination region; plus strand). Cytogenetic location: 3p25.3.
Variant type: single nucleotide variant.
Coding change: c.340+714G>A on transcript NM_000551.4 (MANE Select); 714 bases into the intron after coding-DNA position 340, G replaced by A.
Molecular consequence: intron variant. On other transcripts: missense variant (1).
Genome position (GRCh38, 1-based): chr3:10,142,901, G>A. VCF-style: chr3-10142901-G-A. GRCh37 (hg19) VCF-style: chr3-10184585-G-A.
Other names: c.479G>A, p.Arg160His (NM_001354723.2); c.340+714G>A (NM_198156.3); c.479G>A (NM_001354723.1); short protein forms R160H.
Identifiers: ClinVar variation 1023770 (VCV001023770.9), dbSNP rs1054796088, ClinGen allele CA896160287.
Genomic context (GRCh38, chr3:10,142,901, plus strand): 5'-ATGCAAAGACAGGAACAAGCCAGGGTCATGTTGGCGCCGGAAGAGCCGACCGTGTGTGGC[G>A]TGGGAAATTGACTTACCTGCCTGCTGGGAGATGGAGGGGTTGCGGTTGTGTGGTTTCAGT-3'